The following is an entry in ClinVar:

ClinVar aggregate classification (germline): Uncertain significance (1 of 4 stars; one submission).

Conditions:
Inborn genetic diseases. Identifiers: MedGen C0950123, MeSH D030342.

Submission:

Ambry Genetics
Classification: Uncertain significance for Inborn genetic diseases. Last evaluated: 2025-01-06. Review status: criteria provided, single submitter. Criteria: Ambry Variant Classification Scheme 2023. Collection method: clinical testing. Allele origin: germline.
Comment: The p.M660I variant (also known as c.1980G>A), located in coding exon 22 of the RTEL1 gene, results from a G to A substitution at nucleotide position 1980. The methionine at codon 660 is replaced by isoleucine, an amino acid with highly similar properties. This amino acid position is conserved. In addition, this alteration is predicted to be deleterious by in silico analysis. Based on the available evidence, the clinical significance of this variant remains unclear.

NM_001283009.2(RTEL1):c.1980G>A (p.Met660Ile)

Genes: RTEL1 (regulator of telomere elongation helicase 1; plus strand), RTEL1-TNFRSF6B (RTEL1-TNFRSF6B readthrough (NMD candidate); plus strand). Cytogenetic location: 20q13.33.
Variant type: single nucleotide variant.
Coding change: c.1980G>A on transcript NM_001283009.2 (MANE Select); coding-DNA position 1980, G replaced by A.
Protein change: p.Met660Ile; replaces methionine 660 with isoleucine.
Molecular consequence: missense variant. On other transcripts: non-coding transcript variant (1).
Genome position (GRCh38, 1-based): chr20:63,689,603, G>A. VCF-style: chr20-63689603-G-A. GRCh37 (hg19) VCF-style: chr20-62320956-G-A.
Other names: c.1311G>A, p.Met437Ile (NM_001283010.1); c.1980G>A, p.Met660Ile (NM_016434.4); c.2052G>A, p.Met684Ile (NM_032957.5); short protein forms M437I, M684I, M660I.
Identifiers: ClinVar variation 3791034 (VCV003791034.1).